The following is an entry in ClinVar:

NM_032119.4(ADGRV1):c.10527C>T (p.Ser3509=)

Gene: ADGRV1 (adhesion G protein-coupled receptor V1; plus strand). Cytogenetic location: 5q14.3.
Variant type: single nucleotide variant.
Coding change: c.10527C>T on transcript NM_032119.4 (MANE Select); coding-DNA position 10527, C replaced by T.
Protein change: p.Ser3509=; no amino-acid change (serine 3509 retained).
Molecular consequence: synonymous variant. On other transcripts: non-coding transcript variant (1).
Genome position (GRCh38, 1-based): chr5:90,729,742, C>T. VCF-style: chr5-90729742-C-T. GRCh37 (hg19) VCF-style: chr5-90025559-C-T.
Identifiers: ClinVar variation 178363 (VCV000178363.47), dbSNP rs201475256, ClinGen allele CA182185.
Genomic context (GRCh38, chr5:90,729,742, plus strand): 5'-ACAGTCTTCCTTCAGGTATTTTCAGTCTGTAGATTTTGCTGCTGTTAACAGAATCCACTC[C>T]TTCACACCAGCCTCAGGAATAGGTAAGGACTTTTCAACTGCTCACCAATTCTAAAGGTAG-3'
Protein context (NP_115495.3, residues 3499-3519): VDFAAVNRIH[Ser3509=]FTPASGIAHI

ClinVar aggregate classification (germline): Conflicting classifications of pathogenicity. Review status: criteria provided, conflicting classifications (1 of 4 stars). 8 submissions from 8 submitters: Uncertain significance (1); Likely benign (7). Last evaluated 2026-01-24.

Conditions:
ADGRV1-related disorder. Also called: ADGRV1-related condition; ADGRV1-related disorders.
Usher syndrome type 2C. Also called: Usher syndrome, type 2B; USHER SYNDROME, TYPE IIC. Identifiers: Orphanet 231178, Orphanet 886, MedGen C2931213, MONDO:0011558, OMIM 605472.

Allele frequency attached by ClinVar (database versions not stated): ESP Exome Variant Server 0.00008; gnomAD 0.00021 and 0.00022; TOPMed 0.00026; ExAC 0.00028; gnomAD exomes 0.00030 and 0.00031.
gnomAD v4.1: 483 of 1,613,308 alleles (0.03%); highest among the groups gnomAD compares: Non-Finnish European, 0.029%; no homozygotes.

Submissions (8):

Labcorp Genetics (formerly Invitae), Labcorp
Classification: Likely benign. Last evaluated: 2026-01-24. Review status: criteria provided, single submitter. Criteria: Invitae Variant Classification Sherloc (09022015). Collection method: clinical testing. Allele origin: germline.

PreventionGenetics, part of Exact Sciences
Classification: Likely benign for ADGRV1-related condition. Last evaluated: 2025-02-20. Review status: criteria provided, single submitter. Criteria: ACMG Guidelines, 2015. Collection method: clinical testing. Allele origin: germline.
Comment: This variant is classified as likely benign based on ACMG/AMP sequence variant interpretation guidelines (Richards et al. 2015 PMID: 25741868, with internal and published modifications).

Blueprint Genetics
Classification: Likely benign. Last evaluated: 2024-09-16. Review status: criteria provided, single submitter. Criteria: ACMG Guidelines, 2015. Collection method: clinical testing. Allele origin: germline.

CeGaT Center for Human Genetics Tuebingen
Classification: Likely benign. Last evaluated: 2023-03-01. Review status: criteria provided, single submitter. Criteria: CeGaT Center For Human Genetics Tuebingen Variant Classification Criteria Version 2. Collection method: clinical testing. Allele origin: germline. Affected: yes. Observed: 2 variant alleles.
Comment: ADGRV1: BP4

GeneDx
Classification: Likely benign. Last evaluated: 2019-11-11. Review status: criteria provided, single submitter. Criteria: GeneDx Variant Classification Process June 2021. Collection method: clinical testing. Allele origin: germline. Affected: yes.

Athena Diagnostics
Classification: Likely benign. Last evaluated: 2018-11-26. Review status: criteria provided, single submitter. Criteria: Athena Diagnostics Criteria. Collection method: clinical testing. Allele origin: germline.

Illumina Laboratory Services, Illumina
Classification: Uncertain significance for Usher syndrome type 2C. Last evaluated: 2018-01-12. Review status: criteria provided, single submitter. Criteria: ICSL Variant Classification Criteria 13 December 2019. Collection method: clinical testing. Allele origin: germline.

Laboratory for Molecular Medicine, Mass General Brigham Personalized Medicine
Classification: Likely benign. Last evaluated: 2012-04-30. Review status: criteria provided, single submitter. Criteria: LMM Criteria. Collection method: clinical testing. Allele origin: germline. Observed: 1 variant allele.
Comment: Ser3509Ser in Exon 50 of GPR98: This variant is not expected to have clinical si gnificance because it does not alter an amino acid residue, is not located withi n the splice consensus sequence, and has been identified in 1/6616 European Amer ican chromosomes from a broad population by the NHLBI Exome Sequencing Project.